The following is an entry in ClinVar:

NM_000138.5(FBN1):c.2746G>A (p.Val916Met)

Gene: FBN1 (fibrillin 1; minus strand). Cytogenetic location: 15q21.1.
Variant type: single nucleotide variant.
Coding change: c.2746G>A on transcript NM_000138.5 (MANE Select); coding-DNA position 2746, G replaced by A.
Protein change: p.Val916Met; replaces valine 916 with methionine.
Molecular consequence: missense variant.
Genome position (GRCh38, 1-based): chr15:48,492,569, C>T on the plus strand (G>A on the coding strand, the complement: FBN1 is on the minus strand). VCF-style: chr15-48492569-C-T. GRCh37 (hg19) VCF-style: chr15-48784766-C-T.
Other names: p.V916M:GTG>ATG; short protein forms V916M.
Identifiers: ClinVar variation 200004 (VCV000200004.18), dbSNP rs373644734, ClinGen allele CA013401.

ClinVar aggregate classification (germline): Conflicting classifications of pathogenicity. Review status: criteria provided, conflicting classifications (1 of 4 stars). 6 submissions from 6 submitters: Uncertain significance (2); Benign (1); Likely benign (3). Last evaluated 2026-09-01.

Conditions:
Marfan syndrome (MFS). Also called: MARFAN SYNDROME, TYPE I; Marfan's syndrome; Marfan syndrome, classic; Marfan syndrome type 1; FBN1-Related Marfan Syndrome. Identifiers: Orphanet 284963, Orphanet 558, MedGen C0024796, MONDO:0007947, OMIM 154700.
Familial thoracic aortic aneurysm and aortic dissection (TAAD). Also called: Thoracic aortic aneurysms and dissections. Identifiers: Orphanet 91387, MedGen C4707243, MONDO:0019625.

Allele frequency attached by ClinVar (database versions not stated): TOPMed 0.00003; ExAC 0.00006; 1000 Genomes Project 0.00020; gnomAD 0.00007; ESP Exome Variant Server 0.00008; 1000 Genomes Project 30x 0.00016.
gnomAD v4.1: 29 of 1,605,170 alleles (0.0018%); highest among the groups gnomAD compares: African/African-American, 0.031%; no homozygotes.

Submissions (6):

Ambry Genetics
Classification: Likely benign for Familial thoracic aortic aneurysm and aortic dissection. Last evaluated: 2026-09-01. Review status: criteria provided, single submitter. Criteria: Ambry Variant Classification Scheme 2023. Collection method: clinical testing. Allele origin: germline.

Women's Health and Genetics/Laboratory Corporation of America, LabCorp
Classification: Likely benign. Last evaluated: 2026-06-03. Review status: criteria provided, single submitter. Criteria: LabCorp Variant Classification Summary - May 2015. Collection method: clinical testing. Allele origin: germline.
Comment: Variant summary: FBN1 c.2746G>A (p.Val916Met) results in a conservative amino acid change in the encoded protein sequence. Algorithms developed to predict the effect of missense changes on protein structure and function are either unavailable or do not agree on the potential impact of this missense change. The variant allele was found at a frequency of 1.8e-05 in 1605170 control chromosomes, predominantly at a frequency of 0.00031 within the African or African-American subpopulation in the gnomAD database. The observed variant frequency within African or African-American control individuals in the gnomAD database exceeds the estimated maximal expected allele frequency for disease-causing variants in FBN1. c.2746G>A has been observed in an individual with adolescent idiopathic scoliosis and it was also present in one control individual (Buchan_2014). This report does not provide unequivocal conclusions about association of the variant with disease. To our knowledge, no experimental evidence demonstrating an impact on protein function has been reported. The following publication has been ascertained in the context of this evaluation (PMID: 24833718). ClinVar contains an entry for this variant (Variation ID: 200004). Based on the evidence outlined above, the variant was classified as likely benign.

Labcorp Genetics (formerly Invitae), Labcorp
Classification: Benign for Marfan syndrome; Familial thoracic aortic aneurysm and aortic dissection. Last evaluated: 2025-10-01. Review status: criteria provided, single submitter. Criteria: Invitae Variant Classification Sherloc (09022015). Collection method: clinical testing. Allele origin: germline.

Color Diagnostics, LLC DBA Color Health
Classification: Likely benign for Familial thoracic aortic aneurysm and aortic dissection. Last evaluated: 2025-09-15. Review status: criteria provided, single submitter. Criteria: ACMG Guidelines, 2015. Collection method: clinical testing. Allele origin: germline.

All of Us Research Program, National Institutes of Health
Classification: Uncertain significance for Marfan syndrome. Last evaluated: 2024-09-23. Review status: criteria provided, single submitter. Criteria: ACMG Guidelines, 2015. Collection method: clinical testing. Allele origin: germline. Inheritance: Autosomal dominant inheritance. Observed: 9 variant alleles, 9 heterozygotes.
Comment: This missense variant replaces valine with methionine at codon 916 of the FBN1 protein. Computational prediction suggests that this variant may have deleterious impact on protein structure and function (internally defined REVEL score threshold >= 0.7, PMID: 27666373). To our knowledge, functional studies have not been reported for this variant. This variant has been reported in an individual affected with adolescent idiopathic scoliosis (PMID: 24833718). This variant has been identified in 13/282608 chromosomes in the general population by the Genome Aggregation Database (gnomAD). The available evidence is insufficient to determine the role of this variant in disease conclusively. Therefore, this variant is classified as a Variant of Uncertain Significance.

This study involves interpretation of variants in research participants for the purpose of population health screening. Participant phenotype was not available at the time of variant classification. Additional details can be found in publication PMID: 35346344, PMCID: PMC8962531

GeneDx
Classification: Uncertain significance. Last evaluated: 2024-01-30. Review status: criteria provided, single submitter. Criteria: GeneDx Variant Classification Process June 2021. Collection method: clinical testing. Allele origin: germline. Affected: yes.
Comment: Has been previously reported in one individual from a cohort of adolescent idiopathic scoliosis patients, and was also observed in 1/6,949 control alleles from a large population cohort (PMID: 24833718); however, no specific clinical or segregation details were provided; In silico analysis supports that this missense variant does not alter protein structure/function; This variant is associated with the following publications: (PMID: 24833718)

Literature cited by the submitters: PubMed 24833718 (cited by Women's Health and Genetics/Laboratory Corporation of America, LabCorp and All of Us Research Program, National Institutes of Health).